The following is an entry in ClinVar:

NM_004606.5(TAF1):c.2405C>T (p.Thr802Met)

Gene: TAF1 (TATA-box binding protein associated factor 1; plus strand). Cytogenetic location: Xq13.1.
Variant type: single nucleotide variant.
Coding change: c.2405C>T on transcript NM_004606.5 (MANE Select); coding-DNA position 2405, C replaced by T.
Protein change: p.Thr802Met; replaces threonine 802 with methionine.
Molecular consequence: missense variant. On other transcripts: non-coding transcript variant (9).
Genome position (GRCh38, 1-based): chrX:71,387,439, C>T. VCF-style: chrX-71387439-C-T. GRCh37 (hg19) VCF-style: chrX-70607289-C-T.
Other names: c.2465C>T (NM_001286074.1); c.2405C>T, p.Thr802Met (NM_001286074.2); c.2342C>T, p.Thr781Met (NM_138923.4); short protein forms T802M, T781M.
Identifiers: ClinVar variation 2162311 (VCV002162311.6), dbSNP rs1258, ClinGen allele CA10446864.

ClinVar aggregate classification (germline): Likely benign. Review status: criteria provided, single submitter (1 of 4 stars). 2 submissions from 2 submitters: Likely benign (1). 1 of the submissions does not count toward it. Last evaluated 2025-10-16.

Conditions:
TAF1-related disorder. Also called: TAF1-related condition.

Allele frequency attached by ClinVar (database versions not stated): ExAC 0.00001; gnomAD exomes 0.00004; ESP Exome Variant Server 0.00009; gnomAD 0.00009; TOPMed 0.00019.
gnomAD v4.1: 56 of 1,209,907 alleles (0.0046%); highest among the groups gnomAD compares: Admixed American, 0.022%; no homozygotes.

Submissions (2):

Labcorp Genetics (formerly Invitae), Labcorp
Classification: Likely benign. Last evaluated: 2025-10-16. Review status: criteria provided, single submitter. Criteria: Invitae Variant Classification Sherloc (09022015). Collection method: clinical testing. Allele origin: germline.

PreventionGenetics, part of Exact Sciences
Classification: Likely benign for TAF1-related condition. Last evaluated: 2023-03-22. Review status: no assertion criteria provided. Collection method: clinical testing. Allele origin: germline. Not counted in ClinVar's aggregate classification.
Comment: This variant is classified as likely benign based on ACMG/AMP sequence variant interpretation guidelines (Richards et al. 2015 PMID: 25741868, with internal and published modifications).